The following is an entry in ClinVar:

NM_138694.4(PKHD1):c.2171C>G (p.Pro724Arg)

Gene: PKHD1 (PKHD1 ciliary IPT domain containing fibrocystin/polyductin; minus strand). Cytogenetic location: 6p12.2.
Variant type: single nucleotide variant.
Coding change: c.2171C>G on transcript NM_138694.4 (MANE Select); coding-DNA position 2171, C replaced by G.
Protein change: p.Pro724Arg; replaces proline 724 with arginine.
Molecular consequence: missense variant.
Genome position (GRCh38, 1-based): chr6:52,050,265, G>C on the plus strand (C>G on the coding strand, the complement: PKHD1 is on the minus strand). VCF-style: chr6-52050265-G-C. GRCh37 (hg19) VCF-style: chr6-51915063-G-C.
Other names: c.2171C>G, p.Pro724Arg (NM_170724.3); c.2171C>G (NM_138694.3); short protein forms P724R.
Identifiers: ClinVar variation 2677836 (VCV002677836.5), dbSNP rs1229139298, ClinGen allele CA364443893.
Genomic context (GRCh38, chr6:52,050,265, plus strand): 5'-GTGACACTGTAGACCGGAGGGGATCCCACCACAGAGACTGATTCCACCAGATTGCCCCCT[G>C]GGCGAGCCGTTCCAGAATCAGCTTGAGAAACTAGAGACCAGTGATCCAATTACTATCAAG-3'
Protein context (NP_619639.3, residues 714-734): VSQADSGTAR[Pro724Arg]GGNLVESVSV

ClinVar aggregate classification (germline): Conflicting classifications of pathogenicity. Review status: criteria provided, conflicting classifications (1 of 4 stars). 3 submissions from 3 submitters: Pathogenic (1); Likely pathogenic (1); Uncertain significance (1). Last evaluated 2025-12-07.

Conditions:
Autosomal recessive polycystic kidney disease (ARPKD). Also called: AR polycystic kidney disease. Identifiers: Orphanet 731, Orphanet 8378, MedGen C0085548, MeSH D017044, MONDO:0009889.
Polycystic kidney disease 4 (PKD4). Also called: PKD3; POLYCYSTIC KIDNEY AND HEPATIC DISEASE 1; POLYCYSTIC KIDNEY DISEASE, INFANTILE, TYPE I; Autosomal Recessive Polycystic Kidney Disease – PKHD1; POLYCYSTIC KIDNEY DISEASE 4 WITH OR WITHOUT POLYCYSTIC LIVER DISEASE. Identifiers: MedGen C4540575, MONDO:0033004, OMIM 263200.

Allele frequency attached by ClinVar (database versions not stated): gnomAD 0.00001; TOPMed 0.00001.
gnomAD v4.1: 1 of 1,613,998 alleles (0.000062%); highest among the groups gnomAD compares: Non-Finnish European, 0.000085%; no homozygotes.

Submissions (3):

Labcorp Genetics (formerly Invitae), Labcorp
Classification: Pathogenic for Autosomal recessive polycystic kidney disease. Last evaluated: 2025-12-07. Review status: criteria provided, single submitter. Criteria: Invitae Variant Classification Sherloc (09022015). Collection method: clinical testing. Allele origin: germline.
Comment: This sequence change replaces proline, which is neutral and non-polar, with arginine, which is basic and polar, at codon 724 of the PKHD1 protein (p.Pro724Arg). This variant is not present in population databases (gnomAD no frequency). This missense change has been observed in individual(s) with autosomal recessive polycystic kidney disease (PMID: 19914852, 35812281). ClinVar contains an entry for this variant (Variation ID: 2677836). Invitae Evidence Modeling of protein sequence and biophysical properties (such as structural, functional, and spatial information, amino acid conservation, physicochemical variation, residue mobility, and thermodynamic stability) indicates that this missense variant is expected to disrupt PKHD1 protein function with a positive predictive value of 95%. This variant disrupts the p.Pro724 amino acid residue in PKHD1. Other variant(s) that disrupt this residue have been observed in individuals with PKHD1-related conditions (PMID: 33282801), which suggests that this may be a clinically significant amino acid residue. For these reasons, this variant has been classified as Pathogenic.

Natera, Inc.
Classification: Likely pathogenic for Autosomal recessive polycystic kidney disease. Last evaluated: 2025-08-26. Review status: criteria provided, single submitter. Criteria: Natera Variant Classification Schema (03/2026). Collection method: clinical testing. Allele origin: germline.
Comment: The c.2171C>G variant in PKHD1 is a missense variant predicted to cause substitution of proline to arginine at amino acid 724. This variant is rare in the general population with a frequency below the threshold expected for the associated phenotype(s). This variant has been observed in one or more individuals affected with the associated recessive disease, as either homozygous or compound heterozygous with a second variant (PMID: 35812281, 19914852). Additionally, this variant has been observed to segregate in affected family members (PMID: 35812281). Computational prediction algorithms indicate this variant is likely to affect gene or protein function. Given the available evidence, this variant is classified as Likely Pathogenic.

Department of Pathology and Laboratory Medicine, Sinai Health System
Classification: Uncertain significance for Polycystic kidney disease 4. Last evaluated: 2023-02-24. Review status: criteria provided, single submitter. Criteria: ACMG Guidelines, 2015. Collection method: research. Allele origin: germline.

Literature cited by the submitters: PubMed 19914852 (cited by Labcorp Genetics (formerly Invitae), Labcorp and Natera, Inc.); PubMed 35812281 (cited by Labcorp Genetics (formerly Invitae), Labcorp and Natera, Inc.); PubMed 33282801 (cited by Labcorp Genetics (formerly Invitae), Labcorp).